The following is an entry in ClinVar:

ClinVar aggregate classification (germline): Uncertain significance (1 of 4 stars; one submission).

Submission:

Labcorp Genetics (formerly Invitae), Labcorp
Classification: Uncertain significance. Last evaluated: 2022-11-29. Review status: criteria provided, single submitter. Criteria: Invitae Variant Classification Sherloc (09022015). Collection method: clinical testing. Allele origin: germline.
Comment: In summary, the available evidence is currently insufficient to determine the role of this variant in disease. Therefore, it has been classified as a Variant of Uncertain Significance. Advanced modeling of protein sequence and biophysical properties (such as structural, functional, and spatial information, amino acid conservation, physicochemical variation, residue mobility, and thermodynamic stability) performed at Invitae indicates that this missense variant is not expected to disrupt NOTCH3 protein function. This variant has not been reported in the literature in individuals affected with NOTCH3-related conditions. This variant is not present in population databases (gnomAD no frequency). This sequence change replaces arginine, which is basic and polar, with glycine, which is neutral and non-polar, at codon 1210 of the NOTCH3 protein (p.Arg1210Gly).

NM_000435.3(NOTCH3):c.3628C>G (p.Arg1210Gly)

Gene: NOTCH3 (notch receptor 3; minus strand). Cytogenetic location: 19p13.12.
Variant type: single nucleotide variant.
Coding change: c.3628C>G on transcript NM_000435.3 (MANE Select); coding-DNA position 3628, C replaced by G.
Protein change: p.Arg1210Gly; replaces arginine 1210 with glycine.
Molecular consequence: missense variant.
Genome position (GRCh38, 1-based): chr19:15,179,115, G>C on the plus strand (C>G on the coding strand, the complement: NOTCH3 is on the minus strand). VCF-style: chr19-15179115-G-C. GRCh37 (hg19) VCF-style: chr19-15289926-G-C.
Other names: short protein forms R1210G.
Identifiers: ClinVar variation 2166520 (VCV002166520.4), dbSNP rs758961316, ClinGen allele CA404510451.